The following is an entry in ClinVar:

ClinVar aggregate classification (germline): Uncertain significance (1 of 4 stars; one submission).

Allele frequency attached by ClinVar (database versions not stated): gnomAD 0.00009 and 0.00001; gnomAD exomes 0.00011 and 0.00024; 1000 Genomes Project 30x 0.00031; ExAC 0.00037; 1000 Genomes Project 0.00040; TOPMed 0.00003.
gnomAD v4.1: 174 of 1,551,190 alleles (0.011%); highest among the groups gnomAD compares: South Asian, 0.19%; 1 homozygote.

Submission:

Labcorp Genetics (formerly Invitae), Labcorp
Classification: Uncertain significance. Last evaluated: 2024-12-02. Review status: criteria provided, single submitter. Criteria: Invitae Variant Classification Sherloc (09022015). Collection method: clinical testing. Allele origin: germline.
Comment: This sequence change affects a donor splice site in intron 1 of the KPNA7 gene. It is expected to disrupt RNA splicing. Variants that disrupt the donor or acceptor splice site typically lead to a loss of protein function (PMID: 16199547), however the current clinical and genetic evidence is not sufficient to establish whether loss-of-function variants in KPNA7 cause disease. This variant is present in population databases (rs549820612, gnomAD 0.2%). This variant has not been reported in the literature in individuals affected with KPNA7-related conditions. ClinVar contains an entry for this variant (Variation ID: 945174). Algorithms developed to predict the effect of sequence changes on RNA splicing suggest that this variant may disrupt the consensus splice site. In summary, the available evidence is currently insufficient to determine the role of this variant in disease. Therefore, it has been classified as a Variant of Uncertain Significance.

Literature cited by the submitters: PubMed 16199547.

NM_001145715.3(KPNA7):c.66+2T>A

Gene: KPNA7 (karyopherin subunit alpha 7; minus strand). Cytogenetic location: 7q22.1.
Variant type: single nucleotide variant.
Coding change: c.66+2T>A on transcript NM_001145715.3 (MANE Select); the canonical splice donor site of the intron after coding-DNA position 66, T replaced by A.
Molecular consequence: splice donor variant.
Genome position (GRCh38, 1-based): chr7:99,207,399, A>T on the plus strand (T>A on the coding strand, the complement: KPNA7 is on the minus strand). VCF-style: chr7-99207399-A-T. GRCh37 (hg19) VCF-style: chr7-98805022-A-T.
Identifiers: ClinVar variation 945174 (VCV000945174.7), dbSNP rs549820612, ClinGen allele CA4363309.